The following is an entry in ClinVar:

NM_003922.4(HERC1):c.11926A>G (p.Met3976Val)

Gene: HERC1 (HECT and RLD domain containing E3 ubiquitin protein ligase family member 1; minus strand). Cytogenetic location: 15q22.31.
Variant type: single nucleotide variant.
Coding change: c.11926A>G on transcript NM_003922.4 (MANE Select); coding-DNA position 11926, A replaced by G.
Protein change: p.Met3976Val; replaces methionine 3976 with valine.
Molecular consequence: missense variant.
Genome position (GRCh38, 1-based): chr15:63,638,752, T>C on the plus strand (A>G on the coding strand, the complement: HERC1 is on the minus strand). VCF-style: chr15-63638752-T-C. GRCh37 (hg19) VCF-style: chr15-63930951-T-C.
Other names: short protein forms M3976V.
Identifiers: ClinVar variation 2086958 (VCV002086958.4), dbSNP rs748781821, ClinGen allele CA392743082.

ClinVar aggregate classification (germline): Uncertain significance (1 of 4 stars; one submission).

Allele frequency attached by ClinVar (database versions not stated): TOPMed 0.00001.
gnomAD v4.1: 6 of 1,613,700 alleles (0.00037%); highest among the groups gnomAD compares: East Asian, 0.0022%; no homozygotes.

Submission:

Labcorp Genetics (formerly Invitae), Labcorp
Classification: Uncertain significance. Last evaluated: 2024-11-18. Review status: criteria provided, single submitter. Criteria: Invitae Variant Classification Sherloc (09022015). Collection method: clinical testing. Allele origin: germline.
Comment: This sequence change replaces methionine, which is neutral and non-polar, with valine, which is neutral and non-polar, at codon 3976 of the HERC1 protein (p.Met3976Val). This variant is present in population databases (no rsID available, gnomAD 0.006%). This variant has not been reported in the literature in individuals affected with HERC1-related conditions. ClinVar contains an entry for this variant (Variation ID: 2086958). Invitae Evidence Modeling of protein sequence and biophysical properties (such as structural, functional, and spatial information, amino acid conservation, physicochemical variation, residue mobility, and thermodynamic stability) indicates that this missense variant is not expected to disrupt HERC1 protein function with a negative predictive value of 80%. In summary, the available evidence is currently insufficient to determine the role of this variant in disease. Therefore, it has been classified as a Variant of Uncertain Significance.